The following is an entry in ClinVar:

ClinVar aggregate classification (germline): Uncertain significance (1 of 4 stars; one submission).

Conditions:
Osteogenesis imperfecta type I (OI1). Also called: Classic Non-deforming Osteogenesis Imperfecta with Blue Sclerae; Lobstein's Disease; Lobstein disease; OI, TYPE I; OSTEOGENESIS IMPERFECTA TARDA; OSTEOGENESIS IMPERFECTA WITH BLUE SCLERAE. Identifiers: Orphanet 216796, Orphanet 666, MedGen C0023931, MONDO:0008146, OMIM 166200. Disease mechanism: loss of function.

Submission:

Labcorp Genetics (formerly Invitae), Labcorp
Classification: Uncertain significance for Osteogenesis imperfecta type I. Last evaluated: 2024-04-10. Review status: criteria provided, single submitter. Criteria: Invitae Variant Classification Sherloc (09022015). Collection method: clinical testing. Allele origin: germline.
Comment: This sequence change replaces lysine, which is basic and polar, with arginine, which is basic and polar, at codon 1321 of the COL1A1 protein (p.Lys1321Arg). This variant is not present in population databases (gnomAD no frequency). This variant has not been reported in the literature in individuals affected with COL1A1-related conditions. Advanced modeling of protein sequence and biophysical properties (such as structural, functional, and spatial information, amino acid conservation, physicochemical variation, residue mobility, and thermodynamic stability) performed at Invitae indicates that this missense variant is not expected to disrupt COL1A1 protein function with a negative predictive value of 95%. In summary, the available evidence is currently insufficient to determine the role of this variant in disease. Therefore, it has been classified as a Variant of Uncertain Significance.

NM_000088.4(COL1A1):c.3962A>G (p.Lys1321Arg)

Gene: COL1A1 (collagen type I alpha 1 chain; minus strand). Cytogenetic location: 17q21.33.
Variant type: single nucleotide variant.
Coding change: c.3962A>G on transcript NM_000088.4 (MANE Select); coding-DNA position 3962, A replaced by G.
Protein change: p.Lys1321Arg; replaces lysine 1321 with arginine.
Molecular consequence: missense variant.
Genome position (GRCh38, 1-based): chr17:50,186,360, T>C on the plus strand (A>G on the coding strand, the complement: COL1A1 is on the minus strand). VCF-style: chr17-50186360-T-C. GRCh37 (hg19) VCF-style: chr17-48263721-T-C.
Other names: short protein forms K1321R.
Identifiers: ClinVar variation 3626191 (VCV003626191.2).